The following is an entry in ClinVar:

ClinVar aggregate classification (germline): Uncertain significance (1 of 4 stars; one submission).

Conditions:
Melanoma, cutaneous malignant, susceptibility to, 8. Also called: MELANOMA AND RENAL CELL CARCINOMA, SUSCEPTIBILITY TO; Cutaneous malignant melanoma 8. Identifiers: Orphanet 293822, MedGen C3152204, MONDO:0013759, OMIM 614456.
Tietz syndrome (TADS). Also called: ALBINISM-DEAFNESS OF TIETZ; HYPOPIGMENTATION/DEAFNESS OF TIETZ; TIETZ ALBINISM-DEAFNESS SYNDROME. Identifiers: Orphanet 42665, MedGen C0391816, MONDO:0007077, OMIM 103500.
Waardenburg syndrome type 2A (WS2A). Also called: WAARDENBURG SYNDROME WITHOUT DYSTOPIA CANTHORUM. Identifiers: Orphanet 3440, MedGen C1860339, MONDO:0008671, OMIM 193510.

Submission:

Labcorp Genetics (formerly Invitae), Labcorp
Classification: Uncertain significance for Melanoma, cutaneous malignant, susceptibility to, 8; Waardenburg syndrome type 2A; Tietz syndrome. Last evaluated: 2025-10-06. Review status: criteria provided, single submitter. Criteria: Invitae Variant Classification Sherloc (09022015). Collection method: clinical testing. Allele origin: germline.
Comment: This sequence change replaces isoleucine, which is neutral and non-polar, with threonine, which is neutral and polar, at codon 300 of the MITF protein (p.Ile300Thr). This variant is not present in population databases (gnomAD no frequency). This variant has not been reported in the literature in individuals affected with MITF-related conditions. ClinVar contains an entry for this variant (Variation ID: 3758543). Invitae Evidence Modeling of protein sequence and biophysical properties (such as structural, functional, and spatial information, amino acid conservation, physicochemical variation, residue mobility, and thermodynamic stability) indicates that this missense variant is not expected to disrupt MITF protein function with a negative predictive value of 80%. In summary, the available evidence is currently insufficient to determine the role of this variant in disease. Therefore, it has been classified as a Variant of Uncertain Significance.

NM_001354604.2(MITF):c.1220T>C (p.Ile407Thr)

Gene: MITF (melanocyte inducing transcription factor; plus strand). Cytogenetic location: 3p13.
Variant type: single nucleotide variant.
Coding change: c.1220T>C on transcript NM_001354604.2 (MANE Select); coding-DNA position 1220, T replaced by C.
Protein change: p.Ile407Thr; replaces isoleucine 407 with threonine.
Molecular consequence: missense variant.
Genome position (GRCh38, 1-based): chr3:69,964,887, T>C. VCF-style: chr3-69964887-T-C. GRCh37 (hg19) VCF-style: chr3-70014038-T-C.
Other names: c.899T>C, p.Ile300Thr (NM_000248.4); c.1046T>C, p.Ile349Thr (NM_001184967.2, NM_001354608.2); c.1217T>C, p.Ile406Thr (NM_001354605.2); c.1199T>C, p.Ile400Thr (NM_001354606.2, NM_006722.3); c.1151T>C, p.Ile384Thr (NM_001354607.2); c.881T>C, p.Ile294Thr (NM_198158.3); c.1202T>C, p.Ile401Thr (NM_198159.3); c.1154T>C, p.Ile385Thr (NM_198177.3); and 1 more; short protein forms I238T, I294T, I300T, I349T, I384T, I385T, I400T, I401T.
Identifiers: ClinVar variation 3758543 (VCV003758543.2).